The following is an entry in ClinVar:

ClinVar aggregate classification (germline): Conflicting classifications of pathogenicity. Review status: criteria provided, conflicting classifications (1 of 4 stars). 3 submissions from 3 submitters: Likely pathogenic (1); Uncertain significance (2). Last evaluated 2025-09-04.

Conditions:
Hereditary cancer-predisposing syndrome. Also called: Hereditary neoplastic syndrome; Tumor predisposition; Hereditary Cancer Syndrome; Neoplastic Syndromes, Hereditary. Identifiers: Orphanet 140162, MedGen C0027672, MeSH D009386, MONDO:0015356.
Familial cancer of breast. Also called: hereditary breast carcinoma; Hereditary breast cancer; BREAST CANCER, FAMILIAL. Identifiers: Orphanet 227535, MedGen C0346153, MONDO:0016419, OMIM 114480. Disease mechanism: loss of function.

Submissions (3):

Labcorp Genetics (formerly Invitae), Labcorp
Classification: Uncertain significance for Familial cancer of breast. Last evaluated: 2025-09-04. Review status: criteria provided, single submitter. Criteria: Invitae Variant Classification Sherloc (09022015). Collection method: clinical testing. Allele origin: germline.
Comment: This sequence change affects an acceptor splice site in intron 9 of the BARD1 gene. RNA analysis indicates that disruption of this splice site induces altered splicing and likely results in the loss of 3 amino acid residue(s), but is expected to preserve the integrity of the reading-frame. This variant is not present in population databases (gnomAD no frequency). This variant has not been reported in the literature in individuals affected with BARD1-related conditions. ClinVar contains an entry for this variant (Variation ID: 219763). Studies have shown that disruption of this splice site results in the activation of a cryptic splice site in intron 9 (external communication, internal data). In summary, the available evidence is currently insufficient to determine the role of this variant in disease. Therefore, it has been classified as a Variant of Uncertain Significance.

Ambry Genetics
Classification: Uncertain significance for Hereditary cancer-predisposing syndrome. Last evaluated: 2024-08-16. Review status: criteria provided, single submitter. Criteria: Ambry Variant Classification Scheme 2023. Collection method: clinical testing. Allele origin: germline.
Comment: The c.1904-2A>T intronic variant results from an A to T substitution two nucleotides upstream from coding exon 10 in the BARD1 gene. Alterations that disrupt the canonical splice site are expected to result in aberrant splicing. In silico splice site analysis predicts that this alteration will weaken the native splice acceptor site and will result in the creation or strengthening of a novel splice acceptor site. The resulting transcript is predicted to be in-frame and is not expected to trigger nonsense-mediated mRNAdecay. RNA studies have demonstrated that this alteration results in a transcript predicted to lead to a protein with an in-frame deletion of three amino acids; however, the exact functional impact of the deleted amino acids is unknown at this time (Ambry internal data). This nucleotide position is highly conserved in available vertebrate species. Based on the available evidence, the clinical significance of this variant remains unclear.

Myriad Genetics, Inc.
Classification: Likely pathogenic for Familial cancer of breast. Last evaluated: 2023-05-24. Review status: criteria provided, single submitter. Criteria: Myriad Autosomal Dominant, Autosomal Recessive and X-Linked Classification Criteria (2023). Collection method: clinical testing. Allele origin: unknown.
Comment: This variant is considered likely pathogenic. This variant occurs within a consensus splice junction and is predicted to result in abnormal mRNA splicing of either an out-of-frame exon or an in-frame exon necessary for protein stability and/or normal function.

NM_000465.4(BARD1):c.1904-2A>T

Gene: BARD1 (BRCA1 associated RING domain 1; minus strand). Cytogenetic location: 2q35.
Variant type: single nucleotide variant.
Coding change: c.1904-2A>T on transcript NM_000465.4 (MANE Select); the canonical splice acceptor site of the intron before coding-DNA position 1904, A replaced by T.
Molecular consequence: splice acceptor variant.
Genome position (GRCh38, 1-based): chr2:214,730,510, T>A on the plus strand (A>T on the coding strand, the complement: BARD1 is on the minus strand). VCF-style: chr2-214730510-T-A. GRCh37 (hg19) VCF-style: chr2-215595234-T-A.
Other names: c.494-2A>T (NM_001282548.2); c.1847-2A>T (NM_001282543.2); c.551-2A>T (NM_001282545.2); c.365-2A>T (NM_001282549.2).
Identifiers: ClinVar variation 219763 (VCV000219763.16), dbSNP rs864622239, ClinGen allele CA350672.
Genomic context (GRCh38, chr2:214,730,510, plus strand): 5'-AGGAATTTCATACTTTTCTTCCTGTTCACATACTTTTCTTCGTAGACATGCTTTTACCCC[T>A]GACAAAAACACAAGAATTAAAGCAAACTAAGTATCAAGTGAGCACTATATCTCTCTCATT-3'